The following is an entry in ClinVar:

ClinVar aggregate classification (germline): Conflicting classifications of pathogenicity. Review status: criteria provided, conflicting classifications (1 of 4 stars). 2 submissions from 1 submitter: Uncertain significance (1); Likely benign (1). Last evaluated 2018-01-12.

Conditions:
Meckel syndrome, type 2 (MKS2). Also called: MKS2-Related Meckel Syndrome; MECKEL-GRUBER SYNDROME, TYPE 2. Identifiers: Orphanet 564, MedGen C1864148, MONDO:0011296, OMIM 603194.
Joubert syndrome 2 (JBTS2). Also called: CEREBELLOOCULORENAL SYNDROME 2. Identifiers: Orphanet 2318, MedGen C1842577, MONDO:0011963, OMIM 608091.

Allele frequency attached by ClinVar (database versions not stated): gnomAD 0.00032 and 0.00013; gnomAD exomes 0.00084; 1000 Genomes Project 30x 0.00359; TOPMed 0.00026; 1000 Genomes Project 0.00339.

Submissions (2):

Illumina Laboratory Services, Illumina
Classification: Likely benign for Joubert syndrome 2. Last evaluated: 2018-01-12. Review status: criteria provided, single submitter. Criteria: ICSL Variant Classification Criteria 13 December 2019. Collection method: clinical testing. Allele origin: germline.
Comment: This variant was observed in the ICSL laboratory as part of a predisposition screen in an ostensibly healthy population. It had not been previously curated by ICSL or reported in the Human Gene Mutation Database (HGMD: prior to June 1st, 2018), and was therefore a candidate for classification through an automated scoring system. Utilizing variant allele frequency, disease prevalence and penetrance estimates, and inheritance mode, an automated score was calculated to assess if this variant is too frequent to cause the disease. Based on the score and internal cut-off values, a variant classified as likely benign is not then subjected to further curation. The score for this variant resulted in a classification of likely benign for this disease.

Illumina Laboratory Services, Illumina
Classification: Uncertain significance for Meckel syndrome, type 2. Last evaluated: 2018-01-12. Review status: criteria provided, single submitter. Criteria: ICSL Variant Classification Criteria 13 December 2019. Collection method: clinical testing. Allele origin: germline.

NM_001173990.2(TMEM216):c.-135T>C

Gene: TMEM216 (transmembrane protein 216; plus strand). Cytogenetic location: 11q12.2.
Variant type: single nucleotide variant.
Coding change: c.-135T>C on transcript NM_001173990.2; 135 bases upstream of the start codon, T replaced by C.
Genome position (GRCh38, 1-based): chr11:61,392,497, T>C. VCF-style: chr11-61392497-T-C. GRCh37 (hg19) VCF-style: chr11-61159969-T-C.
Identifiers: ClinVar variation 305073 (VCV000305073.7), dbSNP rs183785901, ClinGen allele CA10635095.